The following is an entry in ClinVar:

ClinVar aggregate classification (germline): Uncertain significance. Review status: criteria provided, multiple submitters, no conflicts (2 of 4 stars). 4 submissions from 4 submitters: Uncertain significance (2). 2 of the submissions do not count toward it. Last evaluated 2025-12-17.

Conditions:
Malignant tumor of breast. Also called: Malignant breast neoplasm; Cancer breast. Identifiers: MedGen C0006142, MONDO:0007254. Disease mechanism: loss of function.
Hereditary breast ovarian cancer syndrome. Also called: Breast and ovarian cancer; Hereditary breast and ovarian cancer; Hereditary breast and ovarian cancer syndrome; BRCA1- and BRCA2-Associated Hereditary Breast and Ovarian Cancer; Hereditary breast and ovarian cancer syndrome (HBOC); Hereditary breast and/or ovarian cancer syndrome. Identifiers: Orphanet 145, MedGen C0677776, MeSH D061325, MONDO:0003582. Disease mechanism: loss of function.
Breast-ovarian cancer, familial, susceptibility to, 2 (BROVCA2). Also called: BRCA2 Hereditary Breast and Ovarian Cancer. Identifiers: Orphanet 145, MedGen C2675520, MONDO:0012933, OMIM 612555. Disease mechanism: loss of function.
Familial cancer of breast. Also called: BREAST CANCER, FAMILIAL; hereditary breast carcinoma; Hereditary breast cancer. Identifiers: Orphanet 227535, MedGen C0346153, MONDO:0016419, OMIM 114480. Disease mechanism: loss of function.

Submissions (4):

Labcorp Genetics (formerly Invitae), Labcorp
Classification: Uncertain significance for Hereditary breast ovarian cancer syndrome. Last evaluated: 2025-12-17. Review status: criteria provided, single submitter. Criteria: Invitae Variant Classification Sherloc (09022015). Collection method: clinical testing. Allele origin: germline.
Comment: This sequence change replaces serine, which is neutral and polar, with asparagine, which is neutral and polar, at codon 3018 of the BRCA2 protein (p.Ser3018Asn). This variant is not present in population databases (gnomAD no frequency). This variant has not been reported in the literature in individuals affected with BRCA2-related conditions. ClinVar contains an entry for this variant (Variation ID: 91742). Invitae Evidence Modeling of protein sequence and biophysical properties (such as structural, functional, and spatial information, amino acid conservation, physicochemical variation, residue mobility, and thermodynamic stability) indicates that this missense variant is not expected to disrupt BRCA2 protein function with a negative predictive value of 95%. In summary, the available evidence is currently insufficient to determine the role of this variant in disease. Therefore, it has been classified as a Variant of Uncertain Significance.

Baylor Genetics
Classification: Uncertain significance for Familial cancer of breast. Last evaluated: 2024-03-26. Review status: criteria provided, single submitter. Criteria: ACMG Guidelines, 2015. Collection method: clinical testing. Allele origin: unknown.

Sharing Clinical Reports Project (SCRP)
Classification: Uncertain significance for Breast-ovarian cancer, familial 2. Last evaluated: 2012-03-20. Review status: no assertion criteria provided. Collection method: clinical testing. Allele origin: germline. Not counted in ClinVar's aggregate classification.

Department of Pathology and Laboratory Medicine, Sinai Health System
Classification: Uncertain significance for Malignant tumor of breast. Review status: no assertion criteria provided. Collection method: clinical testing. Allele origin: unknown. Affected: yes. Observed: 1 variant allele. Study: The Canadian Open Genetics Repository (COGR). Not counted in ClinVar's aggregate classification.
Comment: The BRCA2 p.Ser3018Asn variant was not identified in the literature nor was it identified in the Exome Variant Server, HGMD, UMD, COSMIC, LOVD or BIC databases. The p.Ser3018 residue is not highly conserved in mammals and computational analyses (PolyPhen, SIFT, AlignGVGD) do not suggest a high likelihood of impact to the protein. However, this information is not predictive enough to rule out pathogenicity. This variant occurs outside of the splicing consensus sequence and computational prediction software (SpliceSiteFinder, MaxEntScan, NNSPLICE, GeneSplicer, HumanSpliceFinder) predicts no change in the splice site prediction score. In summary, based on the above information, the clinical significance of this variant cannot be determined at this time. Therefore, this variant is classified as a variant of unknown significance.

NM_000059.4(BRCA2):c.9053G>A (p.Ser3018Asn)

Gene: BRCA2 (BRCA2 DNA repair associated; plus strand). Cytogenetic location: 13q13.1.
Variant type: single nucleotide variant.
Coding change: c.9053G>A on transcript NM_000059.4 (MANE Select); coding-DNA position 9053, G replaced by A.
Protein change: p.Ser3018Asn; replaces serine 3018 with asparagine.
Molecular consequence: missense variant.
Genome position (GRCh38, 1-based): chr13:32,379,849, G>A. VCF-style: chr13-32379849-G-A. GRCh37 (hg19) VCF-style: chr13-32953986-G-A.
Other names: 9281G>A; short protein forms S3018N.
Identifiers: ClinVar variation 91742 (VCV000091742.7), dbSNP rs398122720, ClinGen allele CA025944.